The following is an entry in ClinVar:

NM_001083926.2(ASRGL1):c.85A>G (p.Arg29Gly)

Gene: ASRGL1 (asparaginase and isoaspartyl peptidase 1; plus strand). Cytogenetic location: 11q12.3.
Variant type: single nucleotide variant.
Coding change: c.85A>G on transcript NM_001083926.2 (MANE Select); coding-DNA position 85, A replaced by G.
Protein change: p.Arg29Gly; replaces arginine 29 with glycine.
Molecular consequence: missense variant.
Genome position (GRCh38, 1-based): chr11:62,338,062, A>G. VCF-style: chr11-62338062-A-G. GRCh37 (hg19) VCF-style: chr11-62105534-A-G.
Other names: c.85A>G (NM_001083926.1); c.85A>G, p.Arg29Gly (NM_025080.4); short protein forms R29G.
Identifiers: ClinVar variation 1917418 (VCV001917418.6), dbSNP rs781496593, ClinGen allele CA6043082.
Genomic context (GRCh38, chr11:62,338,062, plus strand): 5'-GGCGGCGGAGCCGGTCCCATCTCCAAGGATCGGAAGGAGCGAGTGCACCAGGGCATGGTC[A>G]GAGCCGCCACCGTGGGCTACGGCATCCTCCGGGAGGGCGGGAGCGCCGTGGATGCCGTAG-3'
Protein context (NP_001077395.1, residues 19-39): RKERVHQGMV[Arg29Gly]AATVGYGILR

ClinVar aggregate classification (germline): Uncertain significance. Review status: criteria provided, multiple submitters, no conflicts (2 of 4 stars). 2 submissions from 2 submitters: Uncertain significance (2). Last evaluated 2024-04-06.

Allele frequency attached by ClinVar (database versions not stated): TOPMed below 0.00001; ExAC 0.00001; gnomAD 0.00001; gnomAD exomes 0.00001.

Submissions (2):

Ambry Genetics
Classification: Uncertain significance. Last evaluated: 2024-04-06. Review status: criteria provided, single submitter. Criteria: Ambry Variant Classification Scheme 2023. Collection method: clinical testing. Allele origin: germline.

Labcorp Genetics (formerly Invitae), Labcorp
Classification: Uncertain significance. Last evaluated: 2023-11-27. Review status: criteria provided, single submitter. Criteria: Invitae Variant Classification Sherloc (09022015). Collection method: clinical testing. Allele origin: germline.
Comment: This sequence change replaces arginine, which is basic and polar, with glycine, which is neutral and non-polar, at codon 29 of the ASRGL1 protein (p.Arg29Gly). The frequency data for this variant in the population databases is considered unreliable, as metrics indicate poor data quality at this position in the gnomAD database. This variant has not been reported in the literature in individuals affected with ASRGL1-related conditions. ClinVar contains an entry for this variant (Variation ID: 1917418). An algorithm developed to predict the effect of missense changes on protein structure and function (PolyPhen-2) suggests that this variant is likely to be tolerated. In summary, the available evidence is currently insufficient to determine the role of this variant in disease. Therefore, it has been classified as a Variant of Uncertain Significance.